The following is an entry in ClinVar:

NM_000059.4(BRCA2):c.6447_6460del (p.Lys2150fs)

Gene: BRCA2 (BRCA2 DNA repair associated; plus strand). Cytogenetic location: 13q13.1.
Variant type: Deletion.
Coding change: c.6447_6460del on transcript NM_000059.4 (MANE Select); coding-DNA positions 6447 to 6460, 14 bases deleted (TAAAGTTTCTCCAT).
Protein change: p.Lys2150fs; shifts the reading frame from lysine 2150.
Molecular consequence: frameshift variant.
Genome position (GRCh38, 1-based): chr13:32,340,802-32,340,815, TAAAGTTTCTCCAT deleted; deleting any 14 consecutive bases within chr13:32,340,800-32,340,815 gives the same sequence; the c. name uses the placement nearest the transcript's 3' end. VCF-style (leftmost placement, unchanged base first): chr13-32340799-TATTAAAGTTTCTCC-T. GRCh37 (hg19) VCF-style: chr13-32914936-TATTAAAGTTTCTCC-T.
Other names: short protein forms K2150fs.
Identifiers: ClinVar variation 629356 (VCV000629356.4), dbSNP rs1566234646, ClinGen allele CA913188564.
Genomic context (GRCh38, chr13:32,340,799, plus strand): 5'-AGAATTTAAATTATCAAATAACTTAAATGTTGAAGGTGGTTCTTCAGAAAATAATCACTC[TATTAAAGTTTCTCC>T]ATATCTCTCTCAATTTCAACAAGACAAACAACAGTTGGTATTAGGAACCAAAGTGTCACT-3'

ClinVar aggregate classification (germline): Pathogenic (1 of 4 stars; one submission).

Conditions:
Hereditary cancer-predisposing syndrome. Also called: Neoplastic Syndromes, Hereditary; Tumor predisposition; Hereditary neoplastic syndrome; Hereditary Cancer Syndrome. Identifiers: Orphanet 140162, MedGen C0027672, MeSH D009386, MONDO:0015356.

Submission:

Color Diagnostics, LLC DBA Color Health
Classification: Pathogenic for Hereditary cancer-predisposing syndrome. Last evaluated: 2020-01-15. Review status: criteria provided, single submitter. Criteria: ACMG Guidelines, 2015. Collection method: clinical testing. Allele origin: germline.
Comment: This variant deletes 14 nucleotides in exon 11 of the BRCA2 gene, creating a frameshift and premature translation stop signal. This variant is expected to result in an absent or non-functional protein product. This variant has not been identified in the general population by the Genome Aggregation Database (gnomAD). Loss of BRCA2 function is a known mechanism of disease. Based on the available evidence, this variant is classified as Pathogenic.